The following is an entry in ClinVar:

NM_004360.5(CDH1):c.2544G>C (p.Leu848=)

Gene: CDH1 (cadherin 1; plus strand). Cytogenetic location: 16q22.1.
Variant type: single nucleotide variant.
Coding change: c.2544G>C on transcript NM_004360.5 (MANE Select); coding-DNA position 2544, G replaced by C.
Protein change: p.Leu848=; no amino-acid change (leucine 848 retained).
Molecular consequence: synonymous variant.
Genome position (GRCh38, 1-based): chr16:68,833,394, G>C. VCF-style: chr16-68833394-G-C. GRCh37 (hg19) VCF-style: chr16-68867297-G-C.
Other names: c.2361G>C, p.Leu787= (NM_001317184.2); c.996G>C, p.Leu332= (NM_001317185.2); c.579G>C, p.Leu193= (NM_001317186.2); c.2544G>C (NM_004360.4).
Identifiers: ClinVar variation 1673802 (VCV001673802.11), dbSNP rs2152144040, ClinGen allele CA496393129.

ClinVar aggregate classification (germline): Conflicting classifications of pathogenicity. Review status: criteria provided, conflicting classifications (1 of 4 stars). 4 submissions from 4 submitters: Uncertain significance (1); Benign (1); Likely benign (2). Last evaluated 2025-12-17.

Conditions:
Hereditary cancer-predisposing syndrome. Also called: Neoplastic Syndromes, Hereditary; Hereditary neoplastic syndrome; Tumor predisposition; Hereditary Cancer Syndrome. Identifiers: Orphanet 140162, MedGen C0027672, MeSH D009386, MONDO:0015356.
Hereditary diffuse gastric adenocarcinoma (HDGC). Also called: DIFFUSE GASTRIC AND LOBULAR BREAST CANCER SYNDROME. Identifiers: Orphanet 26106, MedGen C1708349, MONDO:0007648, OMIM 137215.

Submissions (4):

Labcorp Genetics (formerly Invitae), Labcorp
Classification: Likely benign for Hereditary diffuse gastric adenocarcinoma. Last evaluated: 2025-12-17. Review status: criteria provided, single submitter. Criteria: Invitae Variant Classification Sherloc (09022015). Collection method: clinical testing. Allele origin: germline.

Myriad Genetics, Inc.
Classification: Benign for Hereditary diffuse gastric adenocarcinoma. Last evaluated: 2024-09-24. Review status: criteria provided, single submitter. Criteria: Myriad Autosomal Dominant, Autosomal Recessive and X-Linked Classification Criteria (2023). Collection method: clinical testing. Allele origin: unknown.
Comment: This variant is considered benign. This variant is a silent/synonymous amino acid change and it is not expected to impact splicing.

European Reference Network on Genetic Tumour Risk Syndromes (ERN-GENTURIS), i3s - Instituto de Investigação e Inovação em Saúde, University of Porto
Classification: Uncertain significance for Hereditary diffuse gastric adenocarcinoma. Last evaluated: 2022-08-01. Review status: criteria provided, single submitter. Criteria: Lee et al. (Hum Mutat. 2018). Collection method: clinical testing. Allele origin: germline. Inheritance: Autosomal dominant inheritance. Affected: no. Study: ERN GENTURIS.
Comment: PM2 (PMID: 30311375)

Ambry Genetics
Classification: Likely benign for Hereditary cancer-predisposing syndrome. Last evaluated: 2022-01-27. Review status: criteria provided, single submitter. Criteria: Ambry Variant Classification Scheme 2023. Collection method: clinical testing. Allele origin: germline.

Literature cited by the submitters: PubMed 36436516 (cited by European Reference Network on Genetic Tumour Risk Syndromes (ERN-GENTURIS), i3s - Instituto de Investigação e Inovação em Saúde, University of Porto).